The following is an entry in ClinVar:

ClinVar aggregate classification (germline): Uncertain significance (1 of 4 stars; one submission).

Conditions:
Werner syndrome (WRN). Identifiers: Orphanet 902, MedGen C0043119, MONDO:0010196, OMIM 277700.

Allele frequency attached by ClinVar (database versions not stated): gnomAD exomes below 0.00001; TOPMed below 0.00001; gnomAD 0.00001.
gnomAD v4.1: 2 of 1,607,518 alleles (0.00012%); highest among the groups gnomAD compares: Admixed American, 0.0033%; no homozygotes.

Submission:

Labcorp Genetics (formerly Invitae), Labcorp
Classification: Uncertain significance for Werner syndrome. Last evaluated: 2023-12-19. Review status: criteria provided, single submitter. Criteria: Invitae Variant Classification Sherloc (09022015). Collection method: clinical testing. Allele origin: germline.
Comment: This sequence change falls in intron 34 of the WRN gene. It does not directly change the encoded amino acid sequence of the WRN protein. It affects a nucleotide within the consensus splice site. This variant is not present in population databases (gnomAD no frequency). This variant has not been reported in the literature in individuals affected with WRN-related conditions. ClinVar contains an entry for this variant (Variation ID: 458479). Variants that disrupt the consensus splice site are a relatively common cause of aberrant splicing (PMID: 17576681, 9536098). Algorithms developed to predict the effect of sequence changes on RNA splicing suggest that this variant may disrupt the consensus splice site. In summary, the available evidence is currently insufficient to determine the role of this variant in disease. Therefore, it has been classified as a Variant of Uncertain Significance.

Literature cited by the submitters: PubMed 17576681; PubMed 9536098.

NM_000553.6(WRN):c.4191+3A>G

Gene: WRN (WRN RecQ like helicase; plus strand). Cytogenetic location: 8p12.
Variant type: single nucleotide variant.
Coding change: c.4191+3A>G on transcript NM_000553.6 (MANE Select); 3 bases into the intron after coding-DNA position 4191, A replaced by G.
Molecular consequence: intron variant.
Genome position (GRCh38, 1-based): chr8:31,167,233, A>G. VCF-style: chr8-31167233-A-G. GRCh37 (hg19) VCF-style: chr8-31024749-A-G.
Identifiers: ClinVar variation 458479 (VCV000458479.5), dbSNP rs1554538695, ClinGen allele CA658657761.